The following is an entry in ClinVar:

ClinVar aggregate classification (germline): Likely pathogenic. Review status: criteria provided, multiple submitters, no conflicts (2 of 4 stars). 2 submissions from 2 submitters: Likely pathogenic (2). Last evaluated 2022-06-29.

Conditions:
LAMA2-related muscular dystrophy (LAMA2-RD). Also called: Laminin alpha 2-related dystrophy. Identifiers: MedGen C5679788, MONDO:0100228.
Merosin deficient congenital muscular dystrophy (MDC1A). Also called: Congenital merosin-deficient muscular dystrophy 1A; Congenital Muscular Dystrophy Type 1A (MDC1A). Identifiers: Orphanet 258, MedGen C1263858, MONDO:0011925, OMIM 607855.

Submissions (2):

Baylor Genetics
Classification: Likely pathogenic for Merosin deficient congenital muscular dystrophy. Last evaluated: 2022-06-29. Review status: criteria provided, single submitter. Criteria: ACMG Guidelines, 2015. Collection method: clinical testing. Allele origin: unknown.

Labcorp Genetics (formerly Invitae), Labcorp
Classification: Likely pathogenic for LAMA2-related muscular dystrophy. Last evaluated: 2021-02-18. Review status: criteria provided, single submitter. Criteria: Invitae Variant Classification Sherloc (09022015). Collection method: clinical testing. Allele origin: germline.
Comment: In summary, the currently available evidence indicates that the variant is pathogenic, but additional data are needed to prove that conclusively. Therefore, this variant has been classified as Likely Pathogenic. Algorithms developed to predict the effect of sequence changes on RNA splicing suggest that this variant may disrupt the consensus splice site, but this prediction has not been confirmed by published transcriptional studies. This variant has not been reported in the literature in individuals with LAMA2-related conditions. This variant is not present in population databases (ExAC no frequency). This sequence change affects an acceptor splice site in intron 33 of the LAMA2 gene. It is expected to disrupt RNA splicing. Variants that disrupt the donor or acceptor splice site typically lead to a loss of protein function (PMID: 16199547), and loss-of-function variants in LAMA2 are known to be pathogenic (PMID: 18700894).

Literature cited by the submitters: PubMed 16199547 (cited by Labcorp Genetics (formerly Invitae), Labcorp); PubMed 18700894 (cited by Labcorp Genetics (formerly Invitae), Labcorp).

NM_000426.4(LAMA2):c.4861-2A>G

Gene: LAMA2 (laminin subunit alpha 2; plus strand). Cytogenetic location: 6q22.33.
Variant type: single nucleotide variant.
Coding change: c.4861-2A>G on transcript NM_000426.4 (MANE Select); the canonical splice acceptor site of the intron before coding-DNA position 4861, A replaced by G.
Molecular consequence: splice acceptor variant.
Genome position (GRCh38, 1-based): chr6:129,369,890, A>G. VCF-style: chr6-129369890-A-G. GRCh37 (hg19) VCF-style: chr6-129691035-A-G.
Other names: c.4861-2A>G (NM_001079823.2).
Identifiers: ClinVar variation 1498923 (VCV001498923.9), dbSNP rs2114627220, ClinGen allele CA365624124.
Genomic context (GRCh38, chr6:129,369,890, plus strand): 5'-GTCGAACACTATCACTGCAAGGCCATTTACTAAAAATGTTTATGGGATGGAATCTTTTTC[A>G]GCACTTGCTGTCACCTCAGCGGGCCCCAGAGAGGCTTATTCAGCTGGCAGAGGGCAATCT-3'